The following is an entry in ClinVar:

NM_017775.3(TTC19):c.-44A>G

Genes: TTC19 (tetratricopeptide repeat domain 19; plus strand), LOC130060311 (ATAC-STARR-seq lymphoblastoid silent region 8214; plus strand). Cytogenetic location: 17p12.
Variant type: single nucleotide variant.
Coding change: c.-44A>G on transcript NM_017775.3; 44 bases upstream of the start codon, A replaced by G.
Genome position (GRCh38, 1-based): chr17:15,999,805, A>G. VCF-style: chr17-15999805-A-G. GRCh37 (hg19) VCF-style: chr17-15903119-A-G.
Other names: c.320A>G (NM_017775.2).
Identifiers: ClinVar variation 215298 (VCV000215298.6), dbSNP rs774176392, ClinGen allele CA323829.
Genomic context (GRCh38, chr17:15,999,805, plus strand): 5'-TCCTGCTCAGTCGTCAGGGCCCGGCCAATCCGGAGGGCGCTCGGCGCGTGGTCGGGGGCC[A>G]GGAGCGCGTCTGGCCTGCAGTGCGCAGAGGACGCGGCGGGAGCATGTTCCGGCTCCTGAG-3'

ClinVar aggregate classification (germline): Conflicting classifications of pathogenicity. Review status: criteria provided, conflicting classifications (1 of 4 stars). 3 submissions from 3 submitters: Uncertain significance (1); Likely benign (1). 1 of the submissions does not count toward it. Last evaluated 2025-01-20.

Conditions:
Inborn genetic diseases. Identifiers: MedGen C0950123, MeSH D030342.
TTC19-related disorder. Also called: TTC19-related condition.

Allele frequency attached by ClinVar (database versions not stated): ExAC 0.00011; gnomAD 0.00003; TOPMed 0.00004.

Submissions (3):

Ambry Genetics
Classification: Uncertain significance for Inborn genetic diseases. Last evaluated: 2025-01-20. Review status: criteria provided, single submitter. Criteria: Ambry Variant Classification Scheme 2023. Collection method: clinical testing. Allele origin: germline.

GeneDx
Classification: Likely benign. Last evaluated: 2013-08-07. Review status: criteria provided, single submitter. Criteria: GeneDx Variant Classification (06012015). Collection method: clinical testing. Allele origin: germline. Affected: yes.
Comment: This variant is considered likely benign or benign based on one or more of the following criteria: it is a conservative change, it occurs at a poorly conserved position in the protein, it is predicted to be benign by multiple in silico algorithms, and/or has population frequency not consistent with disease.

PreventionGenetics, part of Exact Sciences
Classification: Likely benign for TTC19-related condition. Last evaluated: 2019-06-24. Review status: no assertion criteria provided. Collection method: clinical testing. Allele origin: germline. Not counted in ClinVar's aggregate classification.
Comment: This variant is classified as likely benign based on ACMG/AMP sequence variant interpretation guidelines (Richards et al. 2015 PMID: 25741868, with internal and published modifications).